The following is an entry in ClinVar:

ClinVar aggregate classification (germline): Uncertain significance (1 of 4 stars; one submission).

Submission:

GeneDx
Classification: Uncertain significance. Last evaluated: 2025-05-08. Review status: criteria provided, single submitter. Criteria: GeneDx Variant Classification Process June 2021. Collection method: clinical testing. Allele origin: germline. Affected: yes.
Comment: Not observed at significant frequency in large population cohorts (gnomAD); In silico analysis supports a deleterious effect on splicing; In silico analysis suggests that this missense variant does not alter protein structure/function; Has not been previously published as pathogenic or benign to our knowledge

NM_000260.4(MYO7A):c.994C>A (p.Gln332Lys)

Gene: MYO7A (myosin VIIA; plus strand). Cytogenetic location: 11q13.5.
Variant type: single nucleotide variant.
Coding change: c.994C>A on transcript NM_000260.4 (MANE Select); coding-DNA position 994, C replaced by A.
Protein change: p.Gln332Lys; replaces glutamine 332 with lysine.
Molecular consequence: missense variant.
Genome position (GRCh38, 1-based): chr11:77,158,421, C>A. VCF-style: chr11-77158421-C-A. GRCh37 (hg19) VCF-style: chr11-76869467-C-A.
Other names: c.994C>A, p.Gln332Lys (NM_001127180.2); c.961C>A, p.Gln321Lys (NM_001369365.1); short protein forms Q321K, Q332K.
Identifiers: ClinVar variation 4528105 (VCV004528105.1).